The following is an entry in ClinVar:

NM_000267.3(NF1):c.4516del

Gene: NF1 (neurofibromin 1; plus strand). Cytogenetic location: 17q11.2.
Variant type: Deletion.
Coding change: c.4516del on transcript NM_000267.3; coding-DNA position 4516, one base deleted (G; older notation c.4516delG).
Genome position (GRCh38, 1-based): chr17:31,261,712, G deleted; the last of 3 consecutive G bases (chr17:31,261,710-31,261,712); deleting any one gives the same sequence. VCF-style (leftmost placement, unchanged base first): chr17-31261709-AG-A. GRCh37 (hg19) VCF-style: chr17-29588727-AG-A.
Other names: c.4516delG (NM_000267.3).
Identifiers: ClinVar variation 943771 (VCV000943771.10), dbSNP rs2067689357, ClinGen allele CA1139665374.

ClinVar aggregate classification (germline): Pathogenic. Review status: criteria provided, multiple submitters, no conflicts (2 of 4 stars). 3 submissions from 3 submitters: Pathogenic (3). Last evaluated 2026-07-09.

Conditions:
Cardiovascular phenotype. Identifiers: MedGen CN230736.
Hereditary cancer-predisposing syndrome. Also called: Tumor predisposition; Neoplastic Syndromes, Hereditary; Hereditary neoplastic syndrome; Hereditary Cancer Syndrome. Identifiers: Orphanet 140162, MedGen C0027672, MeSH D009386, MONDO:0015356.
Neurofibromatosis, type 1 (NF1). Also called: NEUROFIBROMATOSIS, TYPE I, SOMATIC; VON RECKLINGHAUSEN DISEASE; Peripheral type neurofibromatosis; Neurofibromatosis, type I. Identifiers: Orphanet 636, MedGen C0027831, MONDO:0018975, OMIM 162200. Disease mechanism: loss of function.

Submissions (3):

Ambry Genetics
Classification: Pathogenic for Cardiovascular phenotype; Hereditary cancer-predisposing syndrome. Last evaluated: 2026-07-09. Review status: criteria provided, single submitter. Criteria: Ambry Variant Classification Scheme 2023. Collection method: clinical testing. Allele origin: germline.
Comment: The c.4516delG pathogenic mutation, located in coding exon 34 of the NF1 gene, results from a deletion of one nucleotide at nucleotide position 4516, causing a translational frameshift with a predicted alternate stop codon (p.D1506Ifs*47). This variant was reported in individual(s) with features consistent with Neurofibromatosis type 1 (Ambry internal data). This variant is considered to be rare based on population cohorts in the Genome Aggregation Database (gnomAD). This variant is expected to result in loss of function by premature protein truncation or nonsense-mediated mRNA decay. As such, this variant is interpreted as a disease-causing mutation.

GeneDx
Classification: Pathogenic. Last evaluated: 2025-05-14. Review status: criteria provided, single submitter. Criteria: GeneDx Variant Classification Process June 2021. Collection method: clinical testing. Allele origin: germline. Affected: yes.
Comment: Frameshift variant predicted to result in protein truncation or nonsense mediated decay in a gene for which loss of function is a known mechanism of disease; Not observed at significant frequency in large population cohorts (gnomAD)

Labcorp Genetics (formerly Invitae), Labcorp
Classification: Pathogenic for Neurofibromatosis, type 1. Last evaluated: 2024-07-22. Review status: criteria provided, single submitter. Criteria: Invitae Variant Classification Sherloc (09022015). Collection method: clinical testing. Allele origin: germline.
Comment: This sequence change creates a premature translational stop signal (p.Asp1506Ilefs*47) in the NF1 gene. It is expected to result in an absent or disrupted protein product. Loss-of-function variants in NF1 are known to be pathogenic (PMID: 10712197, 23913538). This variant is not present in population databases (gnomAD no frequency). This variant has not been reported in the literature in individuals affected with NF1-related conditions. ClinVar contains an entry for this variant (Variation ID: 943771). Algorithms developed to predict the effect of sequence changes on RNA splicing suggest that this variant may disrupt the consensus splice site. For these reasons, this variant has been classified as Pathogenic.

Literature cited by the submitters: PubMed 10712197 (cited by Labcorp Genetics (formerly Invitae), Labcorp); PubMed 23913538 (cited by Labcorp Genetics (formerly Invitae), Labcorp).